The following is an entry in ClinVar:

NM_020632.3(ATP6V0A4):c.2113G>A (p.Gly705Arg)

Gene: ATP6V0A4 (ATPase H+ transporting V0 subunit a4; minus strand). Cytogenetic location: 7q34.
Variant type: single nucleotide variant.
Coding change: c.2113G>A on transcript NM_020632.3 (MANE Select); coding-DNA position 2113, G replaced by A.
Protein change: p.Gly705Arg; replaces glycine 705 with arginine.
Molecular consequence: missense variant.
Genome position (GRCh38, 1-based): chr7:138,721,923, C>T on the plus strand (G>A on the coding strand, the complement: ATP6V0A4 is on the minus strand). VCF-style: chr7-138721923-C-T. GRCh37 (hg19) VCF-style: chr7-138406668-C-T.
Other names: p.Gly705Arg; c.2113G>A, p.Gly705Arg (NM_130840.3, NM_130841.3); short protein forms G705R.
Identifiers: ClinVar variation 908602 (VCV000908602.12), dbSNP rs376273720, ClinGen allele CA4504539.
Genomic context (GRCh38, chr7:138,721,923, plus strand): 5'-GGGAGTCTTCCTCAGGGGCTCTCGTCCCAGATACCTCTTCTCCATGGTCGTCCAGAGCCC[C>T]GTGGGTATCTGCAGAAGTCCTCTGGCCAGAACGGCTAGAAGGGCTGGAGCTATCACCTTC-3'
Protein context (NP_065683.2, residues 695-715): SGQRTSADTH[Gly705Arg]ALDDHGEEFN

ClinVar aggregate classification (germline): Uncertain significance. Review status: criteria provided, multiple submitters, no conflicts (2 of 4 stars). 5 submissions from 5 submitters: Uncertain significance (5). Last evaluated 2025-09-28.

Conditions:
Renal tubular acidosis, distal, 3, with or without sensorineural hearing loss (DRTA3). Identifiers: MedGen C5399980, MONDO:0011268, OMIM 602722.
Autosomal recessive distal renal tubular acidosis. Identifiers: Orphanet 402041, MedGen C1864498, MONDO:0018440.
Inborn genetic diseases. Identifiers: MedGen C0950123, MeSH D030342.

Allele frequency attached by ClinVar (database versions not stated): ExAC 0.00001; TOPMed 0.00006; gnomAD exomes 0.00002; gnomAD 0.00003.
gnomAD v4.1: 35 of 1,614,012 alleles (0.0022%); highest among the groups gnomAD compares: South Asian, 0.0088%; no homozygotes.

Submissions (5):

Mayo Clinic Laboratories, Mayo Clinic
Classification: Uncertain significance. Last evaluated: 2025-09-28. Review status: criteria provided, single submitter. Criteria: ACMG Guidelines, 2015. Collection method: clinical testing. Allele origin: germline. Observed: 1 variant allele.
Comment: PM2_supporting

Ambry Genetics
Classification: Uncertain significance for Inborn genetic diseases. Last evaluated: 2025-06-23. Review status: criteria provided, single submitter. Criteria: Ambry Variant Classification Scheme 2023. Collection method: clinical testing. Allele origin: germline.

Fulgent Genetics
Classification: Uncertain significance for Renal tubular acidosis, distal, 3, with or without sensorineural hearing loss. Last evaluated: 2022-02-09. Review status: criteria provided, single submitter. Criteria: ACMG Guidelines, 2015. Collection method: clinical testing. Allele origin: unknown.

Labcorp Genetics (formerly Invitae), Labcorp
Classification: Uncertain significance. Last evaluated: 2021-12-18. Review status: criteria provided, single submitter. Criteria: Invitae Variant Classification Sherloc (09022015). Collection method: clinical testing. Allele origin: germline.
Comment: In summary, the available evidence is currently insufficient to determine the role of this variant in disease. Therefore, it has been classified as a Variant of Uncertain Significance. Algorithms developed to predict the effect of sequence changes on RNA splicing suggest that this variant may create or strengthen a splice site. Algorithms developed to predict the effect of missense changes on protein structure and function output the following: SIFT: "Deleterious"; PolyPhen-2: "Benign"; Align-GVGD: "Class C0". The arginine amino acid residue is found in multiple mammalian species, which suggests that this missense change does not adversely affect protein function. ClinVar contains an entry for this variant (Variation ID: 908602). This variant has not been reported in the literature in individuals affected with ATP6V0A4-related conditions. This variant is present in population databases (rs376273720, gnomAD 0.01%). This sequence change replaces glycine, which is neutral and non-polar, with arginine, which is basic and polar, at codon 705 of the ATP6V0A4 protein (p.Gly705Arg).

Illumina Laboratory Services, Illumina
Classification: Uncertain significance for Renal tubular acidosis, distal, 3, with or without sensorineural hearing loss. Last evaluated: 2018-01-13. Review status: criteria provided, single submitter. Criteria: ICSL Variant Classification Criteria 13 December 2019. Collection method: clinical testing. Allele origin: germline.